The following is an entry in ClinVar:

NM_001369369.1(FOXN1):c.1370del (p.His457fs)

Gene: FOXN1 (forkhead box N1; plus strand). Cytogenetic location: 17q11.2.
Variant type: Deletion.
Coding change: c.1370del on transcript NM_001369369.1 (MANE Select); coding-DNA position 1370, one base deleted (A; older notation c.1370delA).
Protein change: p.His457fs; shifts the reading frame from histidine 457.
Molecular consequence: frameshift variant.
Genome position (GRCh38, 1-based): chr17:28,534,941, A deleted. VCF-style (leftmost placement, unchanged base first): chr17-28534940-CA-C. GRCh37 (hg19) VCF-style: chr17-26861958-CA-C.
Other names: NM_001369369.1(FOXN1):c.1370del; p.His457fs; c.1370del, p.His457fs (NM_003593.3); c.1370delA (NM_003593.3); short protein forms H457fs.
Identifiers: ClinVar variation 1048525 (VCV001048525.4), dbSNP rs2151499042, ClinGen allele CA2499223953.

ClinVar aggregate classification (germline): Pathogenic. Review status: reviewed by expert panel (3 of 4 stars). 2 submissions from 2 submitters: Pathogenic (1). 1 of the submissions does not count toward it. Last evaluated 2024-07-29.

Conditions:
T-cell lymphopenia, infantile, with or without nail dystrophy, autosomal dominant. Identifiers: Orphanet 676039, MedGen C5394133, MONDO:0032928, OMIM 618806.
T-cell immunodeficiency, congenital alopecia, and nail dystrophy. Also called: Congenital alopecia and nail dystrophy associated with severe functional T-cell immunodeficiency; Pignata Guarino syndrome. Identifiers: Orphanet 169095, MedGen C1866426, MONDO:0011132, OMIM 601705.

Submissions (2):

ClinGen Severe Combined Immunodeficiency Variant Curation Expert Panel, ClinGen
Classification: Pathogenic for T-cell immunodeficiency, congenital alopecia, and nail dystrophy. Last evaluated: 2024-07-29. Review status: reviewed by expert panel. Criteria: ClinGen SCID ACMG Specifications FOXN1 V1.0.0. Collection method: curation. Allele origin: germline. Inheritance: Semidominant inheritance.
Comment: The NM_001369369.1(FOXN1):c.1370del (p.His457ProfsTer?) frameshift variant in exon 8 results in a premature stop codon in the final exon (exon 9) at codon 549. It is not predicted to cause NMD but would truncate 15% of the protein, including most of the transactivation domain which is critical to protein function (PVS1_Strong). The variant is absent from gnomADv4.0 (PM2_supporting). The heterozygous expression of Δ505 Foxn1 in mice, the ortholog of the human mutation, results in thymic hypoplasia, a limited population of peripheral T cells, and changes in the composition of the TEC scaffold. Mice homozygous for the Δ505 mutation were hairless and lacked a thymus and peripheral T cells (PS3). Additional functional evidence is available from a luciferase reporter construct cotransfected into heterologous cells together with an expression vector containing FOXN1. This variant had 0.6% luciferase activity compared to WT (PMID: 37419334). This variant has been reported (PMID: 34860543) heterozygous in one patient with T cell lymphopenia (32% of total lymphocytes) and absence of TCR excision circles. The patients sister and father also harbor this heterozygous variant and have absent TRECs, the sister also has a missing thymus and a reduction in naive T cells (PP1). In summary, this variant meets criteria to be classified as pathogenic for semidominant T-cell immunodeficiency, congenital alopecia, and nail dystrophy due to FOXN1 deficiency based on the ACMG/AMP criteria applied: PVS1_strong, PS3, PM2_supporting, as specified by the ClinGen SCID VCEP FOXN1 subgroup.

Clinical and Biomedical Sciences, University of Exeter
Classification: Pathogenic for T-cell lymphopenia, infantile, with or without nail dystrophy, autosomal dominant. Last evaluated: 2021-03-17. Review status: criteria provided, single submitter. Criteria: ACMG Guidelines, 2015. Collection method: research. Allele origin: germline. Affected: yes. Observed: 3 variant alleles. Not counted in ClinVar's aggregate classification.
Comment: Patients heterozygous for this variant have been reported to have athymia at birth and peripheral T cell lympopenia, however are spared from the severe combined immunodeficiency seen in patients with homozygous loss of function mutations in the FOXN1 gene.

Literature cited by the submitters: PubMed 37419334 (cited by ClinGen Severe Combined Immunodeficiency Variant Curation Expert Panel, ClinGen); PubMed 34860543 (cited by ClinGen Severe Combined Immunodeficiency Variant Curation Expert Panel, ClinGen).